The following is an entry in ClinVar:

ClinVar aggregate classification (germline): Uncertain significance (1 of 4 stars; one submission).

Conditions:
Dowling-Degos disease 2 (DDD2). Identifiers: Orphanet 79145, MedGen C3809147, MONDO:0014130, OMIM 615327.

gnomAD v4.1: 13 of 1,613,274 alleles (0.00081%); highest among the groups gnomAD compares: East Asian, 0.0022%; no homozygotes.

Submission:

Labcorp Genetics (formerly Invitae), Labcorp
Classification: Uncertain significance for Dowling-Degos disease 2. Last evaluated: 2025-12-16. Review status: criteria provided, single submitter. Criteria: Invitae Variant Classification Sherloc (09022015). Collection method: clinical testing. Allele origin: germline.
Comment: This sequence change replaces aspartic acid, which is acidic and polar, with asparagine, which is neutral and polar, at codon 340 of the POFUT1 protein (p.Asp340Asn). This variant is present in population databases (no rsID available, gnomAD 0.002%). This variant has not been reported in the literature in individuals affected with POFUT1-related conditions. An algorithm developed to predict the effect of missense changes on protein structure and function (PolyPhen-2) suggests that this variant is likely to be disruptive. In summary, the available evidence is currently insufficient to determine the role of this variant in disease. Therefore, it has been classified as a Variant of Uncertain Significance.

NM_015352.2(POFUT1):c.1018G>A (p.Asp340Asn)

Gene: POFUT1 (protein O-fucosyltransferase 1; plus strand). Cytogenetic location: 20q11.21.
Variant type: single nucleotide variant.
Coding change: c.1018G>A on transcript NM_015352.2 (MANE Select); coding-DNA position 1018, G replaced by A.
Protein change: p.Asp340Asn; replaces aspartic acid 340 with asparagine.
Molecular consequence: missense variant.
Genome position (GRCh38, 1-based): chr20:32,234,512, G>A. VCF-style: chr20-32234512-G-A. GRCh37 (hg19) VCF-style: chr20-30822315-G-A.
Other names: short protein forms D340N.
Identifiers: ClinVar variation 4739243 (VCV004739243.1).